The following is an entry in ClinVar:

ClinVar aggregate classification (germline): Uncertain significance. Review status: criteria provided, multiple submitters, no conflicts (2 of 4 stars). 2 submissions from 2 submitters: Uncertain significance (2). Last evaluated 2025-11-18.

Allele frequency attached by ClinVar (database versions not stated): gnomAD exomes 0.00003 and 0.00017; TOPMed 0.00010; ExAC 0.00023.
gnomAD v4.1: 47 of 1,613,052 alleles (0.0029%); highest among the groups gnomAD compares: Admixed American, 0.073%; no homozygotes.

Submissions (2):

Women's Health and Genetics/Laboratory Corporation of America, LabCorp
Classification: Uncertain significance. Last evaluated: 2025-11-18. Review status: criteria provided, single submitter. Criteria: LabCorp Variant Classification Summary - May 2015. Collection method: clinical testing. Allele origin: germline.
Comment: Variant summary: SERPINF1 c.981G>C (p.Lys327Asn) results in a non-conservative amino acid change in the encoded protein sequence. Algorithms developed to predict the effect of missense changes on protein structure and function are either unavailable or do not agree on the potential impact of this missense change. The variant allele was found at a frequency of 0.00017 in 251442 control chromosomes. This frequency is not significantly higher than estimated for disease-causing variants in SERPINF1, allowing no conclusion about variant significance. To our knowledge, no occurrence of c.981G>C in individuals affected with SERPINF1-related conditions and no experimental evidence demonstrating its impact on protein function have been reported. ClinVar contains an entry for this variant (Variation ID: 1442804). Based on the evidence outlined above, the variant was classified as uncertain significance.

Labcorp Genetics (formerly Invitae), Labcorp
Classification: Uncertain significance. Last evaluated: 2025-07-10. Review status: criteria provided, single submitter. Criteria: Invitae Variant Classification Sherloc (09022015). Collection method: clinical testing. Allele origin: germline.
Comment: This sequence change replaces lysine, which is basic and polar, with asparagine, which is neutral and polar, at codon 327 of the SERPINF1 protein (p.Lys327Asn). This variant is present in population databases (rs748169395, gnomAD 0.08%). This variant has not been reported in the literature in individuals affected with SERPINF1-related conditions. ClinVar contains an entry for this variant (Variation ID: 1442804). Invitae Evidence Modeling of protein sequence and biophysical properties (such as structural, functional, and spatial information, amino acid conservation, physicochemical variation, residue mobility, and thermodynamic stability) indicates that this missense variant is not expected to disrupt SERPINF1 protein function with a negative predictive value of 80%. In summary, the available evidence is currently insufficient to determine the role of this variant in disease. Therefore, it has been classified as a Variant of Uncertain Significance.

NM_002615.7(SERPINF1):c.981G>C (p.Lys327Asn)

Gene: SERPINF1 (serpin family F member 1; plus strand). Cytogenetic location: 17p13.3.
Variant type: single nucleotide variant.
Coding change: c.981G>C on transcript NM_002615.7 (MANE Select); coding-DNA position 981, G replaced by C.
Protein change: p.Lys327Asn; replaces lysine 327 with asparagine.
Molecular consequence: missense variant.
Genome position (GRCh38, 1-based): chr17:1,776,726, G>C. VCF-style: chr17-1776726-G-C. GRCh37 (hg19) VCF-style: chr17-1680020-G-C.
Other names: c.981G>C, p.Lys327Asn (NM_001329903.2); c.420G>C, p.Lys140Asn (NM_001329904.2, NM_001329905.2); short protein forms K327N, K140N.
Identifiers: ClinVar variation 1442804 (VCV001442804.8), dbSNP rs748169395, ClinGen allele CA8274901.